The following is an entry in ClinVar:

ClinVar aggregate classification (germline): Uncertain significance (1 of 4 stars; one submission).

Submission:

GeneDx
Classification: Uncertain significance. Last evaluated: 2023-12-05. Review status: criteria provided, single submitter. Criteria: GeneDx Variant Classification Process June 2021. Collection method: clinical testing. Allele origin: germline. Affected: yes.
Comment: Not observed at significant frequency in large population cohorts (gnomAD); In silico analysis supports that this missense variant has a deleterious effect on protein structure/function; Has not been previously published as pathogenic or benign to our knowledge

NM_001005273.3(CHD3):c.1681C>T (p.His561Tyr)

Gene: CHD3 (chromodomain helicase DNA binding protein 3; plus strand). Cytogenetic location: 17p13.1.
Variant type: single nucleotide variant.
Coding change: c.1681C>T on transcript NM_001005273.3 (MANE Select); coding-DNA position 1681, C replaced by T.
Protein change: p.His561Tyr; replaces histidine 561 with tyrosine.
Molecular consequence: missense variant.
Genome position (GRCh38, 1-based): chr17:7,895,516, C>T. VCF-style: chr17-7895516-C-T. GRCh37 (hg19) VCF-style: chr17-7798834-C-T.
Other names: c.1858C>T, p.His620Tyr (NM_001005271.3); c.1681C>T, p.His561Tyr (NM_005852.4); short protein forms H561Y, H620Y.
Identifiers: ClinVar variation 3364780 (VCV003364780.1).